The following is an entry in ClinVar:

NM_000245.4(MET):c.3725G>A (p.Gly1242Asp)

Gene: MET (MET proto-oncogene, receptor tyrosine kinase; plus strand). Cytogenetic location: 7q31.2.
Variant type: single nucleotide variant.
Coding change: c.3725G>A on transcript NM_000245.4 (MANE Select); coding-DNA position 3725, G replaced by A.
Protein change: p.Gly1242Asp; replaces glycine 1242 with aspartic acid.
Molecular consequence: missense variant.
Genome position (GRCh38, 1-based): chr7:116,783,396, G>A. VCF-style: chr7-116783396-G-A. GRCh37 (hg19) VCF-style: chr7-116423450-G-A.
Other names: c.3779G>A, p.Gly1260Asp (NM_001127500.3); c.2435G>A, p.Gly812Asp (NM_001324402.2); short protein forms G1242D, G812D, G1260D.
Identifiers: ClinVar variation 2447317 (VCV002447317.3), dbSNP rs776086430, ClinGen allele CA164910974.

ClinVar aggregate classification (germline): Uncertain significance. Review status: criteria provided, multiple submitters, no conflicts (2 of 4 stars). 2 submissions from 2 submitters: Uncertain significance (2). Last evaluated 2025-10-06.

Conditions:
Hereditary cancer-predisposing syndrome. Also called: Neoplastic Syndromes, Hereditary; Hereditary Cancer Syndrome; Tumor predisposition; Hereditary neoplastic syndrome. Identifiers: Orphanet 140162, MedGen C0027672, MeSH D009386, MONDO:0015356.
Renal cell carcinoma. Identifiers: Orphanet 217071, MedGen C0007134, MeSH D002292, MONDO:0005086, HP:0005584.

Submissions (2):

Labcorp Genetics (formerly Invitae), Labcorp
Classification: Uncertain significance for Renal cell carcinoma. Last evaluated: 2025-10-06. Review status: criteria provided, single submitter. Criteria: Invitae Variant Classification Sherloc (09022015). Collection method: clinical testing. Allele origin: germline.
Comment: This sequence change replaces glycine, which is neutral and non-polar, with aspartic acid, which is acidic and polar, at codon 1260 of the MET protein (p.Gly1260Asp). This variant is not present in population databases (gnomAD no frequency). This variant has not been reported in the literature in individuals affected with MET-related conditions. ClinVar contains an entry for this variant (Variation ID: 2447317). Invitae Evidence Modeling of protein sequence and biophysical properties (such as structural, functional, and spatial information, amino acid conservation, physicochemical variation, residue mobility, and thermodynamic stability) indicates that this missense variant is expected to disrupt MET protein function with a positive predictive value of 80%. In summary, the available evidence is currently insufficient to determine the role of this variant in disease. Therefore, it has been classified as a Variant of Uncertain Significance.

Ambry Genetics
Classification: Uncertain significance for Hereditary cancer-predisposing syndrome. Last evaluated: 2023-02-12. Review status: criteria provided, single submitter. Criteria: Ambry Variant Classification Scheme 2023. Collection method: clinical testing. Allele origin: germline.
Comment: The p.G1260D variant (also known as c.3779G>A), located in coding exon 18 of the MET gene, results from a G to A substitution at nucleotide position 3779. The glycine at codon 1260 is replaced by aspartic acid, an amino acid with similar properties. This amino acid position is conserved. In addition, this alteration is predicted to be deleterious by in silico analysis. Since supporting evidence is limited at this time, the clinical significance of this alteration remains unclear.